The following is an entry in ClinVar:

NM_000059.4(BRCA2):c.4151dup (p.Leu1384fs)

Gene: BRCA2 (BRCA2 DNA repair associated; plus strand). Cytogenetic location: 13q13.1.
Variant type: Duplication.
Coding change: c.4151dup on transcript NM_000059.4 (MANE Select); coding-DNA position 4151, one base duplicated (T; older notation c.4151dupT).
Protein change: p.Leu1384fs; shifts the reading frame from leucine 1384.
Molecular consequence: frameshift variant. On other transcripts: non-coding transcript variant (1), intron variant (2).
Genome position (GRCh38, 1-based): chr13:32,338,506, T duplicated; the last of 3 consecutive T bases (chr13:32,338,504-32,338,506); duplicating any one gives the same sequence. VCF-style (leftmost placement, unchanged base first): chr13-32338503-A-AT. GRCh37 (hg19) VCF-style: chr13-32912640-A-AT.
Other names: c.4151dup, p.Leu1384fs (NM_001406719.1, NM_001406720.1); c.1909+5119dup (NM_001406721.1); c.425-6052dup (NM_001406722.1); c.4151dupT (NM_000059.3); short protein forms L1384fs.
Identifiers: ClinVar variation 3226644 (VCV003226644.1), dbSNP rs397507710, ClinGen allele CA2825002138.

ClinVar aggregate classification (germline): Pathogenic (1 of 4 stars; one submission).

Conditions:
Hereditary cancer-predisposing syndrome. Also called: Neoplastic Syndromes, Hereditary; Tumor predisposition; Hereditary neoplastic syndrome; Hereditary Cancer Syndrome. Identifiers: Orphanet 140162, MedGen C0027672, MeSH D009386, MONDO:0015356.

Submission:

Ambry Genetics
Classification: Pathogenic for Hereditary cancer-predisposing syndrome. Last evaluated: 2023-09-27. Review status: criteria provided, single submitter. Criteria: Ambry Variant Classification Scheme 2023. Collection method: clinical testing. Allele origin: germline.
Comment: The c.4151dupT pathogenic mutation, located in coding exon 10 of the BRCA2 gene, results from a duplication of T at nucleotide position 4151, causing a translational frameshift with a predicted alternate stop codon (p.L1384Ffs*19). This variant is considered to be rare based on population cohorts in the Genome Aggregation Database (gnomAD). This alteration is expected to result in loss of function by premature protein truncation or nonsense-mediated mRNA decay. As such, this alteration is interpreted as a disease-causing mutation.